The following is an entry in ClinVar:

NM_000722.4(CACNA2D1):c.550A>G (p.Asn184Asp)

Gene: CACNA2D1 (calcium voltage-gated channel auxiliary subunit alpha2delta 1; minus strand). Cytogenetic location: 7q21.11.
Variant type: single nucleotide variant.
Coding change: c.550A>G on transcript NM_000722.4 (MANE Select); coding-DNA position 550, A replaced by G.
Protein change: p.Asn184Asp; replaces asparagine 184 with aspartic acid.
Molecular consequence: missense variant.
Genome position (GRCh38, 1-based): chr7:82,084,877, T>C on the plus strand (A>G on the coding strand, the complement: CACNA2D1 is on the minus strand). VCF-style: chr7-82084877-T-C. GRCh37 (hg19) VCF-style: chr7-81714193-T-C.
Other names: c.550A>G, p.Asn184Asp (NM_001302890.2, NM_001366867.1); short protein forms N184D.
Identifiers: ClinVar variation 2585870 (VCV002585870.2), dbSNP rs2486416081, ClinGen allele CA368016879.

ClinVar aggregate classification (germline): Uncertain significance (1 of 4 stars; one submission).

Conditions:
Cardiovascular phenotype. Identifiers: MedGen CN230736.

Submission:

Ambry Genetics
Classification: Uncertain significance for Cardiovascular phenotype. Last evaluated: 2023-07-30. Review status: criteria provided, single submitter. Criteria: Ambry Variant Classification Scheme 2023. Collection method: clinical testing. Allele origin: germline.
Comment: The p.N184D variant (also known as c.550A>G), located in coding exon 7 of the CACNA2D1 gene, results from an A to G substitution at nucleotide position 550. The asparagine at codon 184 is replaced by aspartic acid, an amino acid with highly similar properties. This amino acid position is conserved. In addition, this alteration is predicted to be tolerated by in silico analysis. Since supporting evidence is limited at this time, the clinical significance of this alteration remains unclear.